The following is an entry in ClinVar:

ClinVar aggregate classification (germline): Pathogenic. Review status: criteria provided, multiple submitters, no conflicts (2 of 4 stars). 6 submissions from 5 submitters: Pathogenic (5). 1 of the submissions does not count toward it. Last evaluated 2024-04-19.

Conditions:
ABCA4-related disorder. Also called: ABCA4-related disorders; ABCA4-related condition. Identifiers: MedGen CN239167.
Retinal dystrophy. Also called: Inherited retinal dystrophy. Identifiers: Orphanet 71862, MedGen C0854723, MeSH D058499, MONDO:0019118, HP:0000556.
Retinal disorder. Also called: Retinopathy; Retinopathies; Retinal Diseases; Retinal disorders. Identifiers: MedGen C0035309, MONDO:0005283, HP:0000488.
Visual impairment. Also called: Impaired vision; vision problems. Identifiers: MedGen C3665347, HP:0000505.
Age related macular degeneration 2. Also called: MACULAR DEGENERATION, SENILE; MACULOPATHY, AGE-RELATED, 2; MACULOPATHY, AGE-RELATED. Identifiers: MedGen C3495438, MONDO:0007932, OMIM 153800.

Allele frequency attached by ClinVar (database versions not stated): gnomAD exomes below 0.00001.

Submissions (6):

Blueprint Genetics
Classification: Pathogenic for ABCA4-related disorders. Last evaluated: 2024-04-19. Review status: criteria provided, single submitter. Criteria: ACMG Guidelines, 2015. Collection method: clinical testing. Allele origin: germline. Affected: yes. Observed: 5 variant alleles.

Labcorp Genetics (formerly Invitae), Labcorp
Classification: Pathogenic. Last evaluated: 2021-07-26. Review status: criteria provided, single submitter. Criteria: Invitae Variant Classification Sherloc (09022015). Collection method: clinical testing. Allele origin: germline.
Comment: For these reasons, this variant has been classified as Pathogenic. ClinVar contains an entry for this variant (Variation ID: 374183). This variant is also known as c.5174_5175insG. This premature translational stop signal has been observed in individual(s) with ABCA4-related conditions (PMID: 24550365, 31212395). This variant is not present in population databases (ExAC no frequency). This sequence change creates a premature translational stop signal (p.Thr1726Aspfs*61) in the ABCA4 gene. It is expected to result in an absent or disrupted protein product. Loss-of-function variants in ABCA4 are known to be pathogenic (PMID: 10958761, 24938718, 25312043, 26780318).

Institute of Medical Genetics and Applied Genomics, University Hospital Tübingen
Classification: Pathogenic. Last evaluated: 2020-10-23. Review status: criteria provided, single submitter. Criteria: ACMG Guidelines, 2015. Collection method: clinical testing. Allele origin: germline. Inheritance: Autosomal recessive inheritance. Affected: yes.

Centre for Mendelian Genomics, University Medical Centre Ljubljana
Classification: Pathogenic for Age related macular degeneration 2. Last evaluated: 2016-01-01. Review status: criteria provided, single submitter. Criteria: ACMG Guidelines, 2015. Collection method: clinical testing. Allele origin: unknown. Affected: yes.
Comment: This variant was classified as: Pathogenic.

Centre for Mendelian Genomics, University Medical Centre Ljubljana
Classification: Pathogenic for Retinal disorder; Visual impairment. Last evaluated: 2014-02-17. Review status: criteria provided, single submitter. Criteria: ACMG Guidelines, 2015. Collection method: clinical testing. Allele origin: unknown. Affected: yes.

Institute of Human Genetics, Univ. Regensburg, Univ. Regensburg
Classification: Pathogenic for Retinal dystrophy. Last evaluated: 2019-01-01. Review status: no assertion criteria provided. Criteria: ACMG Guidelines, 2015. Collection method: clinical testing. Allele origin: germline. Affected: yes. Not counted in ClinVar's aggregate classification.

Literature cited by the submitters: PubMed 24550365 (cited by Labcorp Genetics (formerly Invitae), Labcorp); PubMed 31212395 (cited by Labcorp Genetics (formerly Invitae), Labcorp); PubMed 10958761 (cited by Labcorp Genetics (formerly Invitae), Labcorp); PubMed 24938718 (cited by Labcorp Genetics (formerly Invitae), Labcorp); PubMed 25312043 (cited by Labcorp Genetics (formerly Invitae), Labcorp); PubMed 26780318 (cited by Labcorp Genetics (formerly Invitae), Labcorp).

NM_000350.3(ABCA4):c.5175dup (p.Thr1726fs)

Gene: ABCA4 (ATP binding cassette subfamily A member 4; minus strand). Cytogenetic location: 1p22.1.
Variant type: Duplication.
Coding change: c.5175dup on transcript NM_000350.3 (MANE Select); coding-DNA position 5175, one base duplicated (G; older notation c.5175dupG).
Protein change: p.Thr1726fs; shifts the reading frame from threonine 1726.
Molecular consequence: frameshift variant.
Genome position (GRCh38, 1-based): chr1:94,019,603, C duplicated on the plus strand (G on the coding strand, the reverse complement: ABCA4 is on the minus strand). VCF-style (leftmost placement, unchanged base first): chr1-94019602-T-TC. GRCh37 (hg19) VCF-style: chr1-94485158-T-TC.
Other names: c.5175dup (NM_000350.2); c.4953dup, p.Thr1652Aspfs (NM_001425324.1); short protein forms T1726fs.
Identifiers: ClinVar variation 374183 (VCV000374183.15), dbSNP rs1057518955, ClinGen allele CA16043372.
Genomic context (GRCh38, chr1:94,019,602, plus strand): 5'-GCCCACGGAGGGGAGGGAGGCGCTGTAAACTGACACTTACGATGTCCCAGAGGAAGTTGG[T>TC]CACCCAGTAGGTGGTGGGGCTCACTCCACTGATAAACTGGAGGTGCTTGGATTTGTTCAC-3'